The following is an entry in ClinVar:

ClinVar aggregate classification (germline): Uncertain significance. Review status: criteria provided, multiple submitters, no conflicts (2 of 4 stars). 2 submissions from 2 submitters: Uncertain significance (2). Last evaluated 2026-03-28.

Conditions:
Mosaic variegated aneuploidy syndrome 2 (MVA2). Identifiers: Orphanet 1052, MedGen C3279843, MONDO:0013582, OMIM 614114.
Inborn genetic diseases. Identifiers: MedGen C0950123, MeSH D030342.

gnomAD v4.1: 2 of 1,614,042 alleles (0.00012%); highest among the groups gnomAD compares: Admixed American, 0.0017%; no homozygotes.

Submissions (2):

Ambry Genetics
Classification: Uncertain significance for Inborn genetic diseases. Last evaluated: 2026-03-28. Review status: criteria provided, single submitter. Criteria: Ambry Variant Classification Scheme 2023. Collection method: clinical testing. Allele origin: germline.
Comment: The p.Y61H variant (also known as c.181T>C), located in coding exon 2 of the CEP57 gene, results from a T to C substitution at nucleotide position 181. The tyrosine at codon 61 is replaced by histidine, an amino acid with similar properties. This amino acid position is conserved. In addition, the in silico prediction for this alteration is inconclusive. Based on the available evidence, the clinical significance of this variant remains unclear.

Labcorp Genetics (formerly Invitae), Labcorp
Classification: Uncertain significance for Mosaic variegated aneuploidy syndrome 2. Last evaluated: 2024-08-04. Review status: criteria provided, single submitter. Criteria: Invitae Variant Classification Sherloc (09022015). Collection method: clinical testing. Allele origin: germline.
Comment: This sequence change replaces tyrosine, which is neutral and polar, with histidine, which is basic and polar, at codon 61 of the CEP57 protein (p.Tyr61His). This variant is present in population databases (no rsID available, gnomAD 0.003%). This variant has not been reported in the literature in individuals affected with CEP57-related conditions. Advanced modeling of protein sequence and biophysical properties (such as structural, functional, and spatial information, amino acid conservation, physicochemical variation, residue mobility, and thermodynamic stability) performed at Invitae indicates that this missense variant is expected to disrupt CEP57 protein function with a positive predictive value of 80%. In summary, the available evidence is currently insufficient to determine the role of this variant in disease. Therefore, it has been classified as a Variant of Uncertain Significance.

NM_014679.5(CEP57):c.181T>C (p.Tyr61His)

Gene: CEP57 (centrosomal protein 57; plus strand). Cytogenetic location: 11q21.
Variant type: single nucleotide variant.
Coding change: c.181T>C on transcript NM_014679.5 (MANE Select); coding-DNA position 181, T replaced by C.
Protein change: p.Tyr61His; replaces tyrosine 61 with histidine.
Molecular consequence: missense variant.
Genome position (GRCh38, 1-based): chr11:95,799,367, T>C. VCF-style: chr11-95799367-T-C. GRCh37 (hg19) VCF-style: chr11-95532531-T-C.
Other names: c.181T>C (NM_014679.4); c.154T>C, p.Tyr52His (NM_001243776.2); c.181T>C, p.Tyr61His (NM_001243777.2); c.100T>C, p.Tyr34His (NM_001363604.2); short protein forms Y52H, Y34H, Y61H.
Identifiers: ClinVar variation 3684788 (VCV003684788.3).